The following is an entry in ClinVar:

ClinVar aggregate classification (germline): Uncertain significance. Review status: criteria provided, multiple submitters, no conflicts (2 of 4 stars). 4 submissions from 4 submitters: Uncertain significance (3). 1 of the submissions does not count toward it. Last evaluated 2025-04-21.

Conditions:
Hereditary cancer-predisposing syndrome. Also called: Tumor predisposition; Hereditary Cancer Syndrome; Hereditary neoplastic syndrome; Neoplastic Syndromes, Hereditary. Identifiers: Orphanet 140162, MedGen C0027672, MeSH D009386, MONDO:0015356.
Ataxia-telangiectasia syndrome (AT). Also called: Ataxia telangiectasia (A-T); LOUIS-BAR SYNDROME; Cerebello-oculocutaneous telangiectasia; Immunodeficiency with ataxia telangiectasia; ATAXIA-TELANGIECTASIA, COMPLEMENTATION GROUP A; ATAXIA-TELANGIECTASIA, FRESNO VARIANT. Identifiers: Orphanet 100, MedGen C0004135, MONDO:0008840, OMIM 208900.

Allele frequency attached by ClinVar (database versions not stated): gnomAD exomes below 0.00001; TOPMed below 0.00001; ExAC 0.00001; gnomAD 0.00001.
gnomAD v4.1: 2 of 1,613,908 alleles (0.00012%); highest among the groups gnomAD compares: African/African-American, 0.0013%; no homozygotes.

Submissions (4):

Quest Diagnostics Nichols Institute San Juan Capistrano
Classification: Uncertain significance. Last evaluated: 2025-04-21. Review status: criteria provided, single submitter. Criteria: Quest Diagnostics criteria. Collection method: clinical testing. Allele origin: unknown.

Labcorp Genetics (formerly Invitae), Labcorp
Classification: Uncertain significance for Ataxia-telangiectasia syndrome. Last evaluated: 2025-03-01. Review status: criteria provided, single submitter. Criteria: Invitae Variant Classification Sherloc (09022015). Collection method: clinical testing. Allele origin: germline.
Comment: This sequence change replaces glycine, which is neutral and non-polar, with valine, which is neutral and non-polar, at codon 392 of the ATM protein (p.Gly392Val). This variant is not present in population databases (gnomAD no frequency). This variant has not been reported in the literature in individuals affected with ATM-related conditions. ClinVar contains an entry for this variant (Variation ID: 236670). Invitae Evidence Modeling of protein sequence and biophysical properties (such as structural, functional, and spatial information, amino acid conservation, physicochemical variation, residue mobility, and thermodynamic stability) indicates that this missense variant is not expected to disrupt ATM protein function with a negative predictive value of 95%. In summary, the available evidence is currently insufficient to determine the role of this variant in disease. Therefore, it has been classified as a Variant of Uncertain Significance.

Ambry Genetics
Classification: Uncertain significance for Hereditary cancer-predisposing syndrome. Last evaluated: 2024-01-07. Review status: criteria provided, single submitter. Criteria: Ambry Variant Classification Scheme 2023. Collection method: clinical testing. Allele origin: germline.
Comment: The p.G392V variant (also known as c.1175G>T), located in coding exon 8 of the ATM gene, results from a G to T substitution at nucleotide position 1175. The glycine at codon 392 is replaced by valine, an amino acid with dissimilar properties. This amino acid position is well conserved in available vertebrate species. In addition, the in silico prediction for this alteration is inconclusive. Since supporting evidence is limited at this time, the clinical significance of this alteration remains unclear.

Natera, Inc.
Classification: Uncertain significance for Ataxia-telangiectasia. Last evaluated: 2021-05-21. Review status: no assertion criteria provided. Collection method: clinical testing. Allele origin: germline. Not counted in ClinVar's aggregate classification.

NM_000051.4(ATM):c.1175G>T (p.Gly392Val)

Gene: ATM (ATM serine/threonine kinase; plus strand). Cytogenetic location: 11q22.3.
Variant type: single nucleotide variant.
Coding change: c.1175G>T on transcript NM_000051.4 (MANE Select); coding-DNA position 1175, G replaced by T.
Protein change: p.Gly392Val; replaces glycine 392 with valine.
Molecular consequence: missense variant.
Genome position (GRCh38, 1-based): chr11:108,249,042, G>T. VCF-style: chr11-108249042-G-T. GRCh37 (hg19) VCF-style: chr11-108119769-G-T.
Other names: c.1175G>T, p.Gly392Val (NM_001351834.2); short protein forms G392V.
Identifiers: ClinVar variation 236670 (VCV000236670.17), dbSNP rs779035681, ClinGen allele CA6264771.
Genomic context (GRCh38, chr11:108,249,042, plus strand): 5'-CTACACAAAGAGAATCTAGTGATTACAGTGTCCCTTGCAAAAGGAAGAAAATAGAACTAG[G>T]CTGGGAAGTAATAAAAGATCACCTTCAGAAGTCACAGAATGATTTTGATCTTGTGCCTTG-3'
Protein context (NP_000042.3, residues 382-402): VPCKRKKIEL[Gly392Val]WEVIKDHLQK